The following is an entry in ClinVar:

ClinVar aggregate classification (germline): Uncertain significance (1 of 4 stars; one submission).

Allele frequency attached by ClinVar (database versions not stated): gnomAD exomes below 0.00001; TOPMed below 0.00001.
gnomAD v4.1: 2 of 1,614,186 alleles (0.00012%); highest among the groups gnomAD compares: Admixed American, 0.0017%; no homozygotes.

Submission:

Labcorp Genetics (formerly Invitae), Labcorp
Classification: Uncertain significance. Last evaluated: 2023-06-17. Review status: criteria provided, single submitter. Criteria: Invitae Variant Classification Sherloc (09022015). Collection method: clinical testing. Allele origin: germline.
Comment: This sequence change replaces leucine, which is neutral and non-polar, with phenylalanine, which is neutral and non-polar, at codon 719 of the DSG1 protein (p.Leu719Phe). This variant is present in population databases (no rsID available, gnomAD 0.003%). This variant has not been reported in the literature in individuals affected with DSG1-related conditions. ClinVar contains an entry for this variant (Variation ID: 1506639). Advanced modeling of protein sequence and biophysical properties (such as structural, functional, and spatial information, amino acid conservation, physicochemical variation, residue mobility, and thermodynamic stability) performed at Invitae indicates that this missense variant is not expected to disrupt DSG1 protein function. In summary, the available evidence is currently insufficient to determine the role of this variant in disease. Therefore, it has been classified as a Variant of Uncertain Significance.

NM_001942.4(DSG1):c.2155C>T (p.Leu719Phe)

Genes: DSG1-AS1 (DSG1 antisense RNA 1; minus strand), DSG1 (desmoglein 1; plus strand), LOC126862720 (MED14-independent group 3 enhancer GRCh37_chr18:28933613-28934812; plus strand). Cytogenetic location: 18q12.1.
Variant type: single nucleotide variant.
Coding change: c.2155C>T on transcript NM_001942.4 (MANE Select); coding-DNA position 2155, C replaced by T.
Protein change: p.Leu719Phe; replaces leucine 719 with phenylalanine.
Molecular consequence: missense variant. On other transcripts: non-coding transcript variant (1).
Genome position (GRCh38, 1-based): chr18:31,354,351, C>T. VCF-style: chr18-31354351-C-T. GRCh37 (hg19) VCF-style: chr18-28934314-C-T.
Other names: short protein forms L719F.
Identifiers: ClinVar variation 1506639 (VCV001506639.8), dbSNP rs1198441743, ClinGen allele CA402120897.